The following is an entry in ClinVar:

NM_000170.3(GLDC):c.67G>A (p.Ala23Thr)

Gene: GLDC (glycine decarboxylase; minus strand). Cytogenetic location: 9p24.1.
Variant type: single nucleotide variant.
Coding change: c.67G>A on transcript NM_000170.3 (MANE Select); coding-DNA position 67, G replaced by A.
Protein change: p.Ala23Thr; replaces alanine 23 with threonine.
Molecular consequence: missense variant.
Genome position (GRCh38, 1-based): chr9:6,645,433, C>T on the plus strand (G>A on the coding strand, the complement: GLDC is on the minus strand). VCF-style: chr9-6645433-C-T. GRCh37 (hg19) VCF-style: chr9-6645433-C-T.
Other names: short protein forms A23T.
Identifiers: ClinVar variation 1492395 (VCV001492395.3), dbSNP rs978322077, ClinGen allele CA188663135.

ClinVar aggregate classification (germline): Uncertain significance (1 of 4 stars; one submission).

Conditions:
Glycine encephalopathy. Also called: Non-ketotic hyperglycinemia; Nonketotic hyperglycinemia. Identifiers: Orphanet 407, MedGen C0751748, MONDO:0011612, HP:0008288.

Allele frequency attached by ClinVar (database versions not stated): gnomAD 0.00001; TOPMed 0.00002; gnomAD exomes 0.00009.
gnomAD v4.1: 3 of 1,286,586 alleles (0.00023%); highest among the groups gnomAD compares: African/African-American, 0.0031%; no homozygotes.

Submission:

Labcorp Genetics (formerly Invitae), Labcorp
Classification: Uncertain significance for Glycine encephalopathy. Last evaluated: 2021-10-18. Review status: criteria provided, single submitter. Criteria: Invitae Variant Classification Sherloc (09022015). Collection method: clinical testing. Allele origin: germline.
Comment: This sequence change replaces alanine with threonine at codon 23 of the GLDC protein (p.Ala23Thr). The alanine residue is moderately conserved and there is a small physicochemical difference between alanine and threonine. The frequency data for this variant in the population databases is considered unreliable, as metrics indicate insufficient coverage at this position in the ExAC database. This variant has not been reported in the literature in individuals with GLDC-related conditions. Algorithms developed to predict the effect of missense changes on protein structure and function output the following: SIFT: "Tolerated"; PolyPhen-2: "Benign"; Align-GVGD: "Class C0". The threonine amino acid residue is found in multiple mammalian species, suggesting that this missense change does not adversely affect protein function. These predictions have not been confirmed by published functional studies and their clinical significance is uncertain. In summary, the available evidence is currently insufficient to determine the role of this variant in disease. Therefore, it has been classified as a Variant of Uncertain Significance.